The following is an entry in ClinVar:

ClinVar aggregate classification (germline): Likely pathogenic. Review status: criteria provided, multiple submitters, no conflicts (2 of 4 stars). 2 submissions from 2 submitters: Likely pathogenic (2). Last evaluated 2026-01-02.

Conditions:
Autosomal recessive limb-girdle muscular dystrophy type 2J (LGMDR10). Also called: Limb-girdle muscular dystrophy, type 2J; MUSCULAR DYSTROPHY, LIMB-GIRDLE, AUTOSOMAL RECESSIVE 10. Identifiers: Orphanet 140922, MedGen C1837342, MONDO:0012127, OMIM 608807.
Dilated cardiomyopathy 1G (CMD1G). Identifiers: Orphanet 154, MedGen C1858763, MONDO:0011400, OMIM 604145.

Submissions (2):

MVZ Praenatalmedizin und Genetik Nuernberg
Classification: Likely pathogenic. Last evaluated: 2026-01-02. Review status: criteria provided, single submitter. Criteria: ACMG Guidelines, 2015. Collection method: clinical testing. Allele origin: germline.
Comment: This very rare frameshift variant in exon 28 of 363 has not yet been annotated in gnomADv2/v4 or the ClinVar database, nor has it been described in the literature. Loss-of-function variants in this exon are almost exclusively classified as pathogenic or likely pathogenic in ClinVar. Furthermore, the variant is located in a 100% spliced-in exon of the TTN protein. In summary, based on the current data, we assess this to be a likely pathogenic genetic variant.

Labcorp Genetics (formerly Invitae), Labcorp
Classification: Likely pathogenic for Dilated cardiomyopathy 1G; Autosomal recessive limb-girdle muscular dystrophy type 2J. Last evaluated: 2025-07-02. Review status: criteria provided, single submitter. Criteria: Invitae Variant Classification Sherloc (09022015). Collection method: clinical testing. Allele origin: germline.
Comment: This sequence change creates a premature translational stop signal (p.Tyr2010*) in the TTN gene. While this is not anticipated to result in nonsense mediated decay, it is expected to create a truncated TTN protein. This variant is not present in population databases (gnomAD no frequency). This variant has not been reported in the literature in individuals affected with TTN-related conditions. This variant is located in the Z band of TTN (PMID: 25589632). Truncating variants in this region have been reported in individuals affected with autosomal recessive centronuclear myopathy (PMID: 33449170, internal data). Truncating variants in this region have also been identified in individuals affected with autosomal dominant dilated cardiomyopathy and/or cardio-related conditions (PMID: 27869827, 32964742, internal data). In summary, the currently available evidence indicates that the variant is pathogenic, but additional data are needed to prove that conclusively. Therefore, this variant has been classified as Likely Pathogenic.

Literature cited by the submitters: PubMed 25589632 (cited by Labcorp Genetics (formerly Invitae), Labcorp); PubMed 33449170 (cited by Labcorp Genetics (formerly Invitae), Labcorp); PubMed 27869827 (cited by Labcorp Genetics (formerly Invitae), Labcorp); PubMed 32964742 (cited by Labcorp Genetics (formerly Invitae), Labcorp).

NM_001267550.2(TTN):c.6030T>G (p.Tyr2010Ter)

Gene: TTN (titin; minus strand). Cytogenetic location: 2q31.2.
Variant type: single nucleotide variant.
Coding change: c.6030T>G on transcript NM_001267550.2 (MANE Select); coding-DNA position 6030, T replaced by G.
Protein change: p.Tyr2010Ter; replaces tyrosine 2010 with a stop codon.
Molecular consequence: nonsense.
Genome position (GRCh38, 1-based): chr2:178,775,834, A>C on the plus strand (T>G on the coding strand, the complement: TTN is on the minus strand). VCF-style: chr2-178775834-A-C. GRCh37 (hg19) VCF-style: chr2-179640561-A-C.
Other names: c.6030T>G, p.Tyr2010Ter (NM_001256850.1, NM_133378.4, NM_133379.5); c.5892T>G, p.Tyr1964Ter (NM_003319.4, NM_133432.3, NM_133437.4); short protein forms Y2010*, Y1964*.
Identifiers: ClinVar variation 4785453 (VCV004785453.2).